The following is an entry in ClinVar:

NM_001267550.2(TTN):c.46696+1G>T

Genes: TTN (titin; minus strand), TTN-AS1 (TTN antisense RNA 1; plus strand). Cytogenetic location: 2q31.2.
Variant type: single nucleotide variant.
Coding change: c.46696+1G>T on transcript NM_001267550.2 (MANE Select); the canonical splice donor site of the intron after coding-DNA position 46696, G replaced by T.
Molecular consequence: splice donor variant.
Genome position (GRCh38, 1-based): chr2:178,619,620, C>A on the plus strand (G>T on the coding strand, the complement: TTN is on the minus strand). VCF-style: chr2-178619620-C-A. GRCh37 (hg19) VCF-style: chr2-179484347-C-A.
Other names: c.19501+1G>T (NM_003319.4); c.20077+1G>T (NM_133437.4); c.19876+1G>T (NM_133432.3); c.38992+1G>T (NM_133378.4); c.41773+1G>T (NM_001256850.1).
Identifiers: ClinVar variation 1052349 (VCV001052349.11), dbSNP rs1064796987, ClinGen allele CA349622750.

ClinVar aggregate classification (germline): Conflicting classifications of pathogenicity. Review status: criteria provided, conflicting classifications (1 of 4 stars). 2 submissions from 2 submitters: Likely pathogenic (1); Uncertain significance (1). Last evaluated 2026-06-16.

Conditions:
Dilated cardiomyopathy 1G (CMD1G). Identifiers: Orphanet 154, MedGen C1858763, MONDO:0011400, OMIM 604145.
Autosomal recessive limb-girdle muscular dystrophy type 2J (LGMDR10). Also called: MUSCULAR DYSTROPHY, LIMB-GIRDLE, AUTOSOMAL RECESSIVE 10; Limb-girdle muscular dystrophy, type 2J. Identifiers: Orphanet 140922, MedGen C1837342, MONDO:0012127, OMIM 608807.
Cardiovascular phenotype. Identifiers: MedGen CN230736.

Submissions (2):

Ambry Genetics
Classification: Uncertain significance for Cardiovascular phenotype. Last evaluated: 2026-06-16. Review status: criteria provided, single submitter. Criteria: Ambry Variant Classification Scheme 2023. Collection method: clinical testing. Allele origin: germline.
Comment: The c.19501+1G>T intronic variant results from a G to T substitution one nucleotide after coding exon 77 of the TTN gene. This exon is located in the I-band region of the N2-B isoform of the titin protein and is constitutively expressed in TTN transcripts (percent spliced in or PSI 100%). This nucleotide position is highly conserved in available vertebrate species. In silico splice site analysis predicts that this alteration will weaken the native splice donor site. This variant disrupts the canonical splice site and is expected to cause aberrant splicing. However, although direct evidence is unavailable, this variant is predicted to result in an in-frame transcript that is not expected to trigger nonsense-mediated mRNA decay. The exact functional effect of the predicted splice impact is unknown. Based on the available evidence, the clinical significance of this variant remains unclear.

Labcorp Genetics (formerly Invitae), Labcorp
Classification: Likely pathogenic for Dilated cardiomyopathy 1G; Autosomal recessive limb-girdle muscular dystrophy type 2J. Last evaluated: 2025-02-27. Review status: criteria provided, single submitter. Criteria: Invitae Variant Classification Sherloc (09022015). Collection method: clinical testing. Allele origin: germline.
Comment: This sequence change affects a donor splice site in intron 250 of the TTN gene. It is expected to disrupt RNA splicing and likely results in a truncated or disrupted TTN protein. This variant is not present in population databases (gnomAD no frequency). This variant has not been observed in the literature in individuals with autosomal recessive TTN-related conditions. This variant has been reported in individual(s) with autosomal dominant dilated cardiomyopathy (internal data); however, the role of the variant in this condition is currently unclear. ClinVar contains an entry for this variant (Variation ID: 1052349). Algorithms developed to predict the effect of sequence changes on RNA splicing suggest that this variant may disrupt the consensus splice site. This variant is located in the I band of TTN (PMID: 25589632). Truncating variants in this region have been reported in individuals affected with autosomal recessive centronuclear myopathy (PMID: 23975875, internal data). Truncating variants in this region have also been identified in individuals affected with autosomal dominant dilated cardiomyopathy and/or cardio-related conditions (PMID: 27869827, 32964742, internal data). In summary, the currently available evidence indicates that the variant is pathogenic, but additional data are needed to prove that conclusively. Therefore, this variant has been classified as Likely Pathogenic.

Literature cited by the submitters: PubMed 25589632 (cited by Labcorp Genetics (formerly Invitae), Labcorp); PubMed 23975875 (cited by Labcorp Genetics (formerly Invitae), Labcorp); PubMed 27869827 (cited by Labcorp Genetics (formerly Invitae), Labcorp); PubMed 32964742 (cited by Labcorp Genetics (formerly Invitae), Labcorp).